The following is an entry in ClinVar:

NC_000008.10:g.(?_116426251)_(116430700_?)del

Gene: TRPS1 (transcriptional repressor GATA binding 1; minus strand). Cytogenetic location: 8q23.3.
Variant type: Deletion.
Identifiers: ClinVar variation 3245510 (VCV003245510.1).

ClinVar aggregate classification (germline): Pathogenic (1 of 4 stars; one submission).

Conditions:
Trichorhinophalangeal dysplasia type I (TRPS1). Also called: TRICHORHINOPHALANGEAL SYNDROME, TYPE I; TRPS I. Identifiers: Orphanet 77258, MedGen C0432233, MONDO:0008596, OMIM 190350.
Trichorhinophalangeal syndrome, type III (TRPS3). Also called: SUGIO-KAJII SYNDROME. Identifiers: Orphanet 77258, MedGen C1860823, OMIM 190351, MONDO:0008597.

Submission:

Labcorp Genetics (formerly Invitae), Labcorp
Classification: Pathogenic for Trichorhinophalangeal syndrome, type III; Trichorhinophalangeal dysplasia type I. Last evaluated: 2022-09-15. Review status: criteria provided, single submitter. Criteria: Invitae Variant Classification Sherloc (09022015). Collection method: clinical testing. Allele origin: unknown.
Comment: For these reasons, this variant has been classified as Pathogenic. This variant disrupts a region of the TRPS1 protein in which other variant(s) (p.Ala932Thr) have been determined to be pathogenic (PMID: 11112658). This suggests that this is a clinically significant region of the protein, and that variants that disrupt it are likely to be disease-causing. A similar copy number variant has been observed in individuals with trichorhinophalangeal syndrome (PMID: 25792522; Invitae). This variant is a gross deletion of the genomic region encompassing exon(s) 6-7 of the TRPS1 gene, which includes the termination codon. This deletion extends beyond the assayed region for this gene and therefore may encompass additional genes. While this deletion is not anticipated to lead to nonsense mediated decay, it is expected to alter mRNA translation or result in a truncated protein product.

Literature cited by the submitters: PubMed 11112658; PubMed 25792522.